The following is an entry in ClinVar:

NM_005228.5(EGFR):c.2331G>A (p.Leu777=)

Genes: EGFR (epidermal growth factor receptor; plus strand), EGFR-AS1 (EGFR antisense RNA 1; minus strand). Cytogenetic location: 7p11.2.
Variant type: single nucleotide variant.
Coding change: c.2331G>A on transcript NM_005228.5 (MANE Select); coding-DNA position 2331, G replaced by A.
Protein change: p.Leu777=; no amino-acid change (leucine 777 retained).
Molecular consequence: synonymous variant. On other transcripts: non-coding transcript variant (1).
Genome position (GRCh38, 1-based): chr7:55,181,340, G>A. VCF-style: chr7-55181340-G-A. GRCh37 (hg19) VCF-style: chr7-55249033-G-A.
Other names: c.2196G>A, p.Leu732= (NM_001346897.2, NM_001346899.2); c.2331G>A, p.Leu777= (NM_001346898.2); c.2172G>A, p.Leu724= (NM_001346900.2); c.1530G>A, p.Leu510= (NM_001346941.2).
Identifiers: ClinVar variation 3773238 (VCV003773238.1).

ClinVar aggregate classification (germline): Benign (1 of 4 stars; one submission).

Conditions:
Lung cancer. Also called: Lung cancer, somatic; Malignant tumor of lung. Identifiers: MedGen C0242379, MONDO:0008903, OMIM 211980.

gnomAD v4.1: 1 of 1,614,204 alleles (0.000062%); highest among the groups gnomAD compares: Non-Finnish European, 0.000085%; no homozygotes.

Submission:

Myriad Genetics, Inc.
Classification: Benign for Lung cancer. Last evaluated: 2024-10-16. Review status: criteria provided, single submitter. Criteria: Myriad Autosomal Dominant, Autosomal Recessive and X-Linked Classification Criteria (2023). Collection method: clinical testing. Allele origin: unknown.
Comment: This variant is considered benign. This variant is a silent/synonymous amino acid change and it is not expected to impact splicing.